The following is an entry in ClinVar:

NM_001197104.2(KMT2A):c.9855C>T (p.Val3285=)

Gene: KMT2A (lysine methyltransferase 2A; plus strand). Cytogenetic location: 11q23.3.
Variant type: single nucleotide variant.
Coding change: c.9855C>T on transcript NM_001197104.2 (MANE Select); coding-DNA position 9855, C replaced by T.
Protein change: p.Val3285=; no amino-acid change (valine 3285 retained).
Molecular consequence: synonymous variant.
Genome position (GRCh38, 1-based): chr11:118,505,747, C>T. VCF-style: chr11-118505747-C-T. GRCh37 (hg19) VCF-style: chr11-118376462-C-T.
Other names: c.9945C>T, p.Val3315= (NM_001412597.1); c.9846C>T, p.Val3282= (NM_005933.4).
Identifiers: ClinVar variation 4281343 (VCV004281343.7).

ClinVar aggregate classification (germline): Likely benign (1 of 4 stars; one submission).

Submission:

CeGaT Center for Human Genetics Tuebingen
Classification: Likely benign. Last evaluated: 2025-09-01. Review status: criteria provided, single submitter. Criteria: CeGaT Center For Human Genetics Tuebingen Variant Classification Criteria Version 2. Collection method: clinical testing. Allele origin: germline. Affected: yes. Observed: 1 variant allele.
Comment: KMT2A: PM2:Supporting, BP4, BP7